The following is an entry in ClinVar:

NM_001355436.2(SPTB):c.832_834del (p.Ser278del)

Gene: SPTB (spectrin beta, erythrocytic; minus strand). Cytogenetic location: 14q23.3.
Variant type: Deletion.
Coding change: c.832_834del on transcript NM_001355436.2 (MANE Select); coding-DNA positions 832 to 834, 3 bases deleted (TCC; older notation c.832_834delTCC).
Protein change: p.Ser278del; deletes serine 278.
Genome position (GRCh38, 1-based): chr14:64,800,798-64,800,800, GGA deleted on the plus strand (TCC on the coding strand, the reverse complement: SPTB is on the minus strand); deleting any 3 consecutive bases within chr14:64,800,798-64,800,801 gives the same sequence; the c. name uses the placement nearest the transcript's 3' end. VCF-style (leftmost placement, unchanged base first): chr14-64800797-TGGA-T. GRCh37 (hg19) VCF-style: chr14-65267515-TGGA-T.
Other names: p.Ser278del; c.832_834del, p.Ser278del (NM_001024858.4, NM_001355437.2); short protein forms S278del.
Identifiers: ClinVar variation 3380209 (VCV003380209.1).

ClinVar aggregate classification (germline): Uncertain significance (1 of 4 stars; one submission).

Submission:

Mayo Clinic Laboratories, Mayo Clinic
Classification: Uncertain significance. Last evaluated: 2024-04-24. Review status: criteria provided, single submitter. Criteria: ACMG Guidelines, 2015. Collection method: clinical testing. Allele origin: germline. Observed: 1 variant allele.
Comment: PM2_moderate, PM4